The following is an entry in ClinVar:

ClinVar aggregate classification (germline): Uncertain significance. Review status: criteria provided, multiple submitters, no conflicts (2 of 4 stars). 2 submissions from 2 submitters: Uncertain significance (2). Last evaluated 2025-10-21.

Conditions:
Microphthalmia with brain and digit anomalies (MCOPS6). Also called: MICROPHTHALMIA AND PITUITARY ANOMALIES; Microphthalmia, syndromic 6. Identifiers: Orphanet 139471, MedGen C1864689, MONDO:0011936, OMIM 607932.
Orofacial cleft 11 (OFC11). Also called: Orofacial cleft 11; ofc11; CLEFT LIP WITH OR WITHOUT CLEFT PALATE, NONSYNDROMIC, 11. Identifiers: MedGen C2677434, MONDO:0010906, OMIM 600625.

Allele frequency attached by ClinVar (database versions not stated): gnomAD exomes below 0.00001; TOPMed below 0.00001.
gnomAD v4.1: 2 of 1,614,210 alleles (0.00012%); highest among the groups gnomAD compares: Non-Finnish European, 0.00017%; no homozygotes.

Submissions (2):

Labcorp Genetics (formerly Invitae), Labcorp
Classification: Uncertain significance for Microphthalmia with brain and digit anomalies; Orofacial cleft 11. Last evaluated: 2025-10-21. Review status: criteria provided, single submitter. Criteria: Invitae Variant Classification Sherloc (09022015). Collection method: clinical testing. Allele origin: germline.
Comment: This sequence change replaces valine, which is neutral and non-polar, with methionine, which is neutral and non-polar, at codon 327 of the BMP4 protein (p.Val327Met). This variant is present in population databases (no rsID available, gnomAD 0.0009%). This variant has not been reported in the literature in individuals affected with BMP4-related conditions. ClinVar contains an entry for this variant (Variation ID: 1349863). Invitae Evidence Modeling of protein sequence and biophysical properties (such as structural, functional, and spatial information, amino acid conservation, physicochemical variation, residue mobility, and thermodynamic stability) indicates that this missense variant is expected to disrupt BMP4 protein function with a positive predictive value of 80%. In summary, the available evidence is currently insufficient to determine the role of this variant in disease. Therefore, it has been classified as a Variant of Uncertain Significance.

Blueprint Genetics
Classification: Uncertain significance. Last evaluated: 2024-01-03. Review status: criteria provided, single submitter. Criteria: ACMG Guidelines, 2015. Collection method: clinical testing. Allele origin: germline.

NM_001202.6(BMP4):c.979G>A (p.Val327Met)

Gene: BMP4 (bone morphogenetic protein 4; minus strand). Cytogenetic location: 14q22.2.
Variant type: single nucleotide variant.
Coding change: c.979G>A on transcript NM_001202.6 (MANE Select); coding-DNA position 979, G replaced by A.
Protein change: p.Val327Met; replaces valine 327 with methionine.
Molecular consequence: missense variant.
Genome position (GRCh38, 1-based): chr14:53,950,280, C>T on the plus strand (G>A on the coding strand, the complement: BMP4 is on the minus strand). VCF-style: chr14-53950280-C-T. GRCh37 (hg19) VCF-style: chr14-54416998-C-T.
Other names: c.1120G>A, p.Val374Met (NM_001347912.1); c.790G>A, p.Val264Met (NM_001347913.2, NM_001347915.2, NM_001347917.1); c.979G>A, p.Val327Met (NM_001347914.2, NM_001347916.1, NM_130850.5 and 1 more transcripts); short protein forms V264M, V374M, V327M.
Identifiers: ClinVar variation 1349863 (VCV001349863.7), dbSNP rs1159448000, ClinGen allele CA389783550.